The following is an entry in ClinVar:

ClinVar aggregate classification (germline): Benign/Likely benign. Review status: criteria provided, multiple submitters, no conflicts (2 of 4 stars). 3 submissions from 3 submitters: Benign (1); Likely benign (2). Last evaluated 2025-07-09.

Conditions:
Hereditary cancer-predisposing syndrome. Also called: Hereditary Cancer Syndrome; Neoplastic Syndromes, Hereditary; Tumor predisposition; Hereditary neoplastic syndrome. Identifiers: Orphanet 140162, MedGen C0027672, MeSH D009386, MONDO:0015356.
Familial cancer of breast. Also called: BREAST CANCER, FAMILIAL; Hereditary breast cancer; hereditary breast carcinoma. Identifiers: Orphanet 227535, MedGen C0346153, MONDO:0016419, OMIM 114480. Disease mechanism: loss of function.

gnomAD v4.1: 1 of 1,614,106 alleles (0.000062%); no homozygotes.

Submissions (3):

Labcorp Genetics (formerly Invitae), Labcorp
Classification: Likely benign for Familial cancer of breast. Last evaluated: 2025-07-09. Review status: criteria provided, single submitter. Criteria: Invitae Variant Classification Sherloc (09022015). Collection method: clinical testing. Allele origin: germline.

Myriad Genetics, Inc.
Classification: Benign for Familial cancer of breast. Last evaluated: 2025-01-21. Review status: criteria provided, single submitter. Criteria: Myriad Autosomal Dominant, Autosomal Recessive and X-Linked Classification Criteria (2023). Collection method: clinical testing. Allele origin: unknown.
Comment: This variant is considered benign. This variant is a silent/synonymous amino acid change and it is not expected to impact splicing.

Ambry Genetics
Classification: Likely benign for Hereditary cancer-predisposing syndrome. Last evaluated: 2016-03-07. Review status: criteria provided, single submitter. Criteria: Ambry Variant Classification Scheme 2023. Collection method: clinical testing. Allele origin: germline.

NM_024675.4(PALB2):c.2874A>G (p.Gln958=)

Gene: PALB2 (partner and localizer of BRCA2; minus strand). Cytogenetic location: 16p12.2.
Variant type: single nucleotide variant.
Coding change: c.2874A>G on transcript NM_024675.4 (MANE Select); coding-DNA position 2874, A replaced by G.
Protein change: p.Gln958=; no amino-acid change (glutamine 958 retained).
Molecular consequence: synonymous variant.
Genome position (GRCh38, 1-based): chr16:23,623,091, T>C on the plus strand (A>G on the coding strand, the complement: PALB2 is on the minus strand). VCF-style: chr16-23623091-T-C. GRCh37 (hg19) VCF-style: chr16-23634412-T-C.
Identifiers: ClinVar variation 480227 (VCV000480227.15), dbSNP rs1555459577, ClinGen allele CA494180496.